The following is an entry in ClinVar:

ClinVar aggregate classification (germline): Pathogenic (1 of 4 stars; one submission).

Submission:

Labcorp Genetics (formerly Invitae), Labcorp
Classification: Pathogenic. Last evaluated: 2022-11-08. Review status: criteria provided, single submitter. Criteria: Invitae Variant Classification Sherloc (09022015). Collection method: clinical testing. Allele origin: germline.
Comment: For these reasons, this variant has been classified as Pathogenic. ClinVar contains an entry for this variant (Variation ID: 1451145). This variant has not been reported in the literature in individuals affected with PTHLH-related conditions. This variant is not present in population databases (gnomAD no frequency). This sequence change creates a premature translational stop signal (p.Tyr103*) in the PTHLH gene. It is expected to result in an absent or disrupted protein product. Loss-of-function variants in PTHLH are known to be pathogenic (PMID: 20170896, 26640227, 26763883).

Literature cited by the submitters: PubMed 20170896; PubMed 26640227; PubMed 26763883.

NM_198965.2(PTHLH):c.309C>G (p.Tyr103Ter)

Gene: PTHLH (parathyroid hormone like hormone; minus strand). Cytogenetic location: 12p11.22.
Variant type: single nucleotide variant.
Coding change: c.309C>G on transcript NM_198965.2 (MANE Select); coding-DNA position 309, C replaced by G.
Protein change: p.Tyr103Ter; replaces tyrosine 103 with a stop codon.
Molecular consequence: nonsense.
Genome position (GRCh38, 1-based): chr12:27,963,563, G>C on the plus strand (C>G on the coding strand, the complement: PTHLH is on the minus strand). VCF-style: chr12-27963563-G-C. GRCh37 (hg19) VCF-style: chr12-28116496-G-C.
Other names: c.309C>G, p.Tyr103Ter (NM_002820.3, NM_198964.2, NM_198966.2); short protein forms Y103*.
Identifiers: ClinVar variation 1451145 (VCV001451145.6), dbSNP rs2120631929, ClinGen allele CA384339200.